The following is an entry in ClinVar:

NM_001943.5(DSG2):c.84C>G (p.Val28=)

Gene: DSG2 (desmoglein 2; plus strand). Cytogenetic location: 18q12.1.
Variant type: single nucleotide variant.
Coding change: c.84C>G on transcript NM_001943.5 (MANE Select); coding-DNA position 84, C replaced by G.
Protein change: p.Val28=; no amino-acid change (valine 28 retained).
Molecular consequence: synonymous variant.
Genome position (GRCh38, 1-based): chr18:31,519,805, C>G. VCF-style: chr18-31519805-C-G. GRCh37 (hg19) VCF-style: chr18-29099768-C-G.
Identifiers: ClinVar variation 44327 (VCV000044327.24), dbSNP rs397516711, ClinGen allele CA022288.

ClinVar aggregate classification (germline): Conflicting classifications of pathogenicity. Review status: criteria provided, conflicting classifications (1 of 4 stars). 8 submissions from 8 submitters: Uncertain significance (1); Likely benign (6). 1 of the submissions does not count toward it. Last evaluated 2026-08-01.

Conditions:
DSG2-related disorder. Also called: DSG2-related condition.
Cardiovascular phenotype. Identifiers: MedGen CN230736.
Cardiomyopathy (CMYO). Also called: Cardiomyopathies. Identifiers: Orphanet 167848, MedGen C0878544, MONDO:0004994, HP:0001638. Inheritance: Various modes of inheritance.
Arrhythmogenic right ventricular dysplasia 10. Also called: Arrhythmogenic right ventricular dysplasia/cardiomyopathy, type 10; Arrhythmogenic Right Ventricular Dysplasia/Cardiomyopathy10; ARRHYTHMOGENIC RIGHT VENTRICULAR DYSPLASIA, FAMILIAL, 10. Identifiers: MedGen C1857777, MONDO:0012434, OMIM 610193.

Allele frequency attached by ClinVar (database versions not stated): TOPMed 0.00004; gnomAD 0.00003 and 0.00002; ExAC 0.00001.
gnomAD v4.1: 30 of 1,613,948 alleles (0.0019%); highest among the groups gnomAD compares: Middle Eastern, 0.049%; no homozygotes.

Submissions (8):

CeGaT Center for Human Genetics Tuebingen
Classification: Likely benign. Last evaluated: 2026-08-01. Review status: criteria provided, single submitter. Criteria: CeGaT Center For Human Genetics Tuebingen Variant Classification Criteria Version 2. Collection method: clinical testing. Allele origin: germline. Affected: yes. Observed: 1 variant allele.
Comment: DSG2: BP4, BP7

Labcorp Genetics (formerly Invitae), Labcorp
Classification: Likely benign for Arrhythmogenic right ventricular dysplasia 10. Last evaluated: 2025-11-09. Review status: criteria provided, single submitter. Criteria: Invitae Variant Classification Sherloc (09022015). Collection method: clinical testing. Allele origin: germline.

Blueprint Genetics
Classification: Likely benign. Last evaluated: 2022-02-16. Review status: criteria provided, single submitter. Criteria: ACMG Guidelines, 2015. Collection method: clinical testing. Allele origin: germline.

Color Diagnostics, LLC DBA Color Health
Classification: Likely benign for Cardiomyopathy. Last evaluated: 2018-10-23. Review status: criteria provided, single submitter. Criteria: ACMG Guidelines, 2015. Collection method: clinical testing. Allele origin: germline.

Ambry Genetics
Classification: Likely benign for Cardiovascular phenotype. Last evaluated: 2018-04-04. Review status: criteria provided, single submitter. Criteria: Ambry Variant Classification Scheme 2023. Collection method: clinical testing. Allele origin: germline.

Eurofins Ntd Llc (ga)
Classification: Uncertain significance. Last evaluated: 2015-02-19. Review status: criteria provided, single submitter. Criteria: EGL Classification Definitions 2015. Collection method: clinical testing. Allele origin: germline. Observed: 1 variant allele, 1 heterozygote.

Laboratory for Molecular Medicine, Mass General Brigham Personalized Medicine
Classification: Likely benign. Last evaluated: 2012-08-14. Review status: criteria provided, single submitter. Criteria: LMM Criteria. Collection method: clinical testing. Allele origin: germline. Observed: 1 variant allele.
Comment: Val28Val in exon 3 of DSG2: This variant is not expected to have clinical signif icance because it does not alter an amino acid residue and is not located within the splice consensus sequence. Val28Val in exon 3 of DSG2 (allele frequency = n/a)

PreventionGenetics, part of Exact Sciences
Classification: Likely benign for DSG2-related condition. Last evaluated: 2022-06-23. Review status: no assertion criteria provided. Collection method: clinical testing. Allele origin: germline. Not counted in ClinVar's aggregate classification.
Comment: This variant is classified as likely benign based on ACMG/AMP sequence variant interpretation guidelines (Richards et al. 2015 PMID: 25741868, with internal and published modifications).